The following is an entry in ClinVar:

ClinVar aggregate classification (germline): Likely benign (0 of 4 stars; one submission).

Conditions:
CUL9-related disorder. Also called: CUL9-related condition.

Allele frequency attached by ClinVar (database versions not stated): 1000 Genomes Project 0.00020; ESP Exome Variant Server 0.00023; 1000 Genomes Project 30x 0.00031.
gnomAD v4.1: 101 of 1,608,598 alleles (0.0063%); highest among the groups gnomAD compares: Admixed American, 0.018%; 1 homozygote.

Submission:

PreventionGenetics, part of Exact Sciences
Classification: Likely benign for CUL9-related condition. Last evaluated: 2019-09-18. Review status: no assertion criteria provided. Collection method: clinical testing. Allele origin: germline.
Comment: This variant is classified as likely benign based on ACMG/AMP sequence variant interpretation guidelines (Richards et al. 2015 PMID: 25741868, with internal and published modifications).

NM_015089.4(CUL9):c.2389-7C>A

Gene: CUL9 (cullin 9; plus strand). Cytogenetic location: 6p21.1.
Variant type: single nucleotide variant.
Coding change: c.2389-7C>A on transcript NM_015089.4 (MANE Select); 7 bases into the intron before coding-DNA position 2389, C replaced by A.
Molecular consequence: intron variant.
Genome position (GRCh38, 1-based): chr6:43,196,062, C>A. VCF-style: chr6-43196062-C-A. GRCh37 (hg19) VCF-style: chr6-43163800-C-A.
Identifiers: ClinVar variation 3040027 (VCV003040027.2), dbSNP rs201354259, ClinGen allele CA3817539.